The following is an entry in ClinVar:

NM_001267550.2(TTN):c.91101_91102dup (p.Ser30368fs)

Genes: TTN (titin; minus strand), TTN-AS1 (TTN antisense RNA 1; plus strand). Cytogenetic location: 2q31.2.
Variant type: Duplication.
Coding change: c.91101_91102dup on transcript NM_001267550.2 (MANE Select); coding-DNA positions 91101 to 91102, 2 bases duplicated (TA; older notation c.91101_91102dupTA).
Protein change: p.Ser30368fs; shifts the reading frame from serine 30368.
Molecular consequence: frameshift variant.
Genome position (GRCh38, 1-based): chr2:178,551,798-178,551,799, TA duplicated on the plus strand (TA on the coding strand, the reverse complement: TTN is on the minus strand); duplicating any 2 consecutive bases within chr2:178,551,798-178,551,800 gives the same sequence; the c. name uses the placement nearest the transcript's 3' end. VCF-style (leftmost placement, unchanged base first): chr2-178551797-C-CTA. GRCh37 (hg19) VCF-style: chr2-179416524-C-CTA.
Other names: c.86178_86179dup, p.Ser28727fs (NM_001256850.1); c.63906_63907dup, p.Ser21303fs (NM_003319.4); c.83397_83398dup, p.Ser27800fs (NM_133378.4); c.64281_64282dup, p.Ser21428fs (NM_133432.3); c.64482_64483dup, p.Ser21495fs (NM_133437.4); short protein forms S21495fs, S27800fs, S30368fs, S21428fs, S28727fs, S21303fs.
Identifiers: ClinVar variation 2952853 (VCV002952853.3), dbSNP rs2469266110, ClinGen allele CA2740095990.
Genomic context (GRCh38, chr2:178,551,797, plus strand): 5'-CCAGTGGCTCTATATTCTCTTCCAGAGATTGGTGATGTATTAACTTTTTGCCAGAGGATG[C>CTA]TATTTCTTTCTTTCTTTTCAACATGGAATCCAGTAACTTCTGAACCACCATCATAAACTG-3'

ClinVar aggregate classification (germline): Likely pathogenic (1 of 4 stars; one submission).

Conditions:
Autosomal recessive limb-girdle muscular dystrophy type 2J (LGMDR10). Also called: Limb-girdle muscular dystrophy, type 2J; MUSCULAR DYSTROPHY, LIMB-GIRDLE, AUTOSOMAL RECESSIVE 10. Identifiers: Orphanet 140922, MedGen C1837342, MONDO:0012127, OMIM 608807.
Dilated cardiomyopathy 1G (CMD1G). Identifiers: Orphanet 154, MedGen C1858763, MONDO:0011400, OMIM 604145.

Submission:

Labcorp Genetics (formerly Invitae), Labcorp
Classification: Likely pathogenic for Dilated cardiomyopathy 1G; Autosomal recessive limb-girdle muscular dystrophy type 2J. Last evaluated: 2023-10-14. Review status: criteria provided, single submitter. Criteria: Invitae Variant Classification Sherloc (09022015). Collection method: clinical testing. Allele origin: germline.
Comment: This sequence change creates a premature translational stop signal (p.Ser30368Ilefs*24) in the TTN gene. While this is not anticipated to result in nonsense mediated decay, it is expected to create a truncated TTN protein. This variant is not present in population databases (gnomAD no frequency). This variant has not been reported in the literature in individuals affected with TTN-related conditions. This variant is located in the A band of TTN (PMID: 25589632). Truncating variants in this region are significantly overrepresented in patients affected with dilated cardiomyopathy (PMID: 25589632). Truncating variants in this region have also been reported in individuals affected with autosomal recessive centronuclear myopathy (PMID: 23975875). In summary, the currently available evidence indicates that the variant is pathogenic, but additional data are needed to prove that conclusively. Therefore, this variant has been classified as Likely Pathogenic.

Literature cited by the submitters: PubMed 25589632; PubMed 23975875.